The following is an entry in ClinVar:

ClinVar aggregate classification (germline): Uncertain significance. Review status: criteria provided, multiple submitters, no conflicts (2 of 4 stars). 4 submissions from 4 submitters: Uncertain significance (4). Last evaluated 2022-09-27.

Conditions:
Inborn genetic diseases. Identifiers: MedGen C0950123, MeSH D030342.
Trichothiodystrophy 2, photosensitive (TTD2). Identifiers: Orphanet 33364, MedGen C4225344, MONDO:0014615, OMIM 616390.
Xeroderma pigmentosum group B. Also called: XPB/CS; XERODERMA PIGMENTOSUM B/COCKAYNE SYNDROME; ERCC3-Related Xeroderma Pigmentosum; XP, GROUP B. Identifiers: MedGen C0268136, MONDO:0012531, OMIM 610651.

Allele frequency attached by ClinVar (database versions not stated): gnomAD exomes 0.00001 and 0.00002; ExAC 0.00002; gnomAD 0.00002 and 0.00003; TOPMed 0.00003; ESP Exome Variant Server 0.00008; 1000 Genomes Project 30x 0.00016; 1000 Genomes Project 0.00020.
gnomAD v4.1: 23 of 1,614,102 alleles (0.0014%); highest among the groups gnomAD compares: Middle Eastern, 0.033%; no homozygotes.

Submissions (4):

Labcorp Genetics (formerly Invitae), Labcorp
Classification: Uncertain significance. Last evaluated: 2022-09-27. Review status: criteria provided, single submitter. Criteria: Invitae Variant Classification Sherloc (09022015). Collection method: clinical testing. Allele origin: germline.
Comment: In summary, the available evidence is currently insufficient to determine the role of this variant in disease. Therefore, it has been classified as a Variant of Uncertain Significance. Advanced modeling of protein sequence and biophysical properties (such as structural, functional, and spatial information, amino acid conservation, physicochemical variation, residue mobility, and thermodynamic stability) performed at Invitae indicates that this missense variant is not expected to disrupt ERCC3 protein function. ClinVar contains an entry for this variant (Variation ID: 331092). This variant has not been reported in the literature in individuals affected with ERCC3-related conditions. This variant is present in population databases (rs370115857, gnomAD 0.008%). This sequence change replaces alanine, which is neutral and non-polar, with valine, which is neutral and non-polar, at codon 120 of the ERCC3 protein (p.Ala120Val).

Ambry Genetics
Classification: Uncertain significance for Inborn genetic diseases. Last evaluated: 2021-10-12. Review status: criteria provided, single submitter. Criteria: Ambry Variant Classification Scheme 2023. Collection method: clinical testing. Allele origin: germline.

Baylor Genetics
Classification: Uncertain significance for Trichothiodystrophy 2, photosensitive. Last evaluated: 2020-02-23. Review status: criteria provided, single submitter. Criteria: ACMG Guidelines, 2015. Collection method: clinical testing. Allele origin: unknown. Affected: yes. Study: CSER-TexasKidsCanSeq.
Comment: This variant was determined to be of uncertain significance according to ACMG Guidelines, 2015 [PMID:25741868].

Illumina Laboratory Services, Illumina
Classification: Uncertain significance for Xeroderma pigmentosum group B. Last evaluated: 2018-01-13. Review status: criteria provided, single submitter. Criteria: ICSL Variant Classification Criteria 13 December 2019. Collection method: clinical testing. Allele origin: germline.

NM_000122.2(ERCC3):c.359C>T (p.Ala120Val)

Gene: ERCC3 (ERCC excision repair 3, TFIIH core complex helicase subunit; minus strand). Cytogenetic location: 2q14.3.
Variant type: single nucleotide variant.
Coding change: c.359C>T on transcript NM_000122.2 (MANE Select); coding-DNA position 359, C replaced by T.
Protein change: p.Ala120Val; replaces alanine 120 with valine.
Molecular consequence: missense variant.
Genome position (GRCh38, 1-based): chr2:127,292,722, G>A on the plus strand (C>T on the coding strand, the complement: ERCC3 is on the minus strand). VCF-style: chr2-127292722-G-A. GRCh37 (hg19) VCF-style: chr2-128050298-G-A.
Other names: c.167C>T, p.Ala56Val (NM_001303416.2, NM_001303418.2); short protein forms A120V, A56V.
Identifiers: ClinVar variation 331092 (VCV000331092.10), dbSNP rs370115857, ClinGen allele CA1858562.